The following is an entry in ClinVar:

ClinVar aggregate classification (germline): Uncertain significance. Review status: criteria provided, multiple submitters, no conflicts (2 of 4 stars). 2 submissions from 2 submitters: Uncertain significance (2). Last evaluated 2025-07-12.

Conditions:
Hereditary cancer-predisposing syndrome. Also called: Neoplastic Syndromes, Hereditary; Tumor predisposition; Hereditary Cancer Syndrome; Hereditary neoplastic syndrome. Identifiers: Orphanet 140162, MedGen C0027672, MeSH D009386, MONDO:0015356.
Gastrointestinal stromal tumor. Also called: Gastrointestinal stromal tumor, somatic; Gastrointestinal stroma tumor. Identifiers: Orphanet 44890, MedGen C0238198, MeSH D046152, MONDO:0011719, OMIM 606764, HP:0100723.

Submissions (2):

Ambry Genetics
Classification: Uncertain significance for Hereditary cancer-predisposing syndrome. Last evaluated: 2025-07-12. Review status: criteria provided, single submitter. Criteria: Ambry Variant Classification Scheme 2023. Collection method: clinical testing. Allele origin: germline.
Comment: The p.K318N variant (also known as c.954A>T), located in coding exon 6 of the PDGFRA gene, results from an A to T substitution at nucleotide position 954. The lysine at codon 318 is replaced by asparagine, an amino acid with similar properties. This amino acid position is conserved. In addition, this alteration is predicted to be tolerated by in silico analysis. Based on the available evidence, the clinical significance of this variant remains unclear.

Labcorp Genetics (formerly Invitae), Labcorp
Classification: Uncertain significance for Gastrointestinal stromal tumor. Last evaluated: 2023-11-20. Review status: criteria provided, single submitter. Criteria: Invitae Variant Classification Sherloc (09022015). Collection method: clinical testing. Allele origin: germline.
Comment: This sequence change replaces lysine, which is basic and polar, with asparagine, which is neutral and polar, at codon 318 of the PDGFRA protein (p.Lys318Asn). This variant is not present in population databases (gnomAD no frequency). This variant has not been reported in the literature in individuals affected with PDGFRA-related conditions. Advanced modeling of protein sequence and biophysical properties (such as structural, functional, and spatial information, amino acid conservation, physicochemical variation, residue mobility, and thermodynamic stability) performed at Invitae indicates that this missense variant is not expected to disrupt PDGFRA protein function with a negative predictive value of 80%. In summary, the available evidence is currently insufficient to determine the role of this variant in disease. Therefore, it has been classified as a Variant of Uncertain Significance.

NM_006206.6(PDGFRA):c.954A>T (p.Lys318Asn)

Gene: PDGFRA (platelet derived growth factor receptor alpha; plus strand). Cytogenetic location: 4q12.
Variant type: single nucleotide variant.
Coding change: c.954A>T on transcript NM_006206.6 (MANE Select); coding-DNA position 954, A replaced by T.
Protein change: p.Lys318Asn; replaces lysine 318 with asparagine.
Molecular consequence: missense variant.
Genome position (GRCh38, 1-based): chr4:54,267,574, A>T. VCF-style: chr4-54267574-A-T. GRCh37 (hg19) VCF-style: chr4-55133741-A-T.
Other names: c.993A>T, p.Lys331Asn (NM_001347830.2); c.954A>T, p.Lys318Asn (NM_001347827.2, NM_001347829.2); c.1029A>T, p.Lys343Asn (NM_001347828.2); short protein forms K318N, K343N, K331N.
Identifiers: ClinVar variation 2731540 (VCV002731540.4), dbSNP rs886059444, ClinGen allele CA356891483.